The following is an entry in ClinVar:

ClinVar aggregate classification (germline): Uncertain significance (1 of 4 stars; one submission).

Conditions:
Desmin-related myofibrillar myopathy (MFM1). Also called: Desminopathy; Desmin related myopathy (former name); Desmin storage myopathy (former name); MYOFIBRILLAR MYOPATHY WITH ARRHYTHMOGENIC RIGHT VENTRICULAR CARDIOMYOPATHY; DESMIN-RELATED MYOPATHY WITH ARRHYTHMOGENIC RIGHT VENTRICULAR CARDIOMYOPATHY; Myofibrillar myopathy 1. Identifiers: Orphanet 363543, Orphanet 98909, MedGen C1832370, MONDO:0011076, OMIM 601419.

Submission:

Labcorp Genetics (formerly Invitae), Labcorp
Classification: Uncertain significance for Desmin-related myofibrillar myopathy. Last evaluated: 2023-11-07. Review status: criteria provided, single submitter. Criteria: Invitae Variant Classification Sherloc (09022015). Collection method: clinical testing. Allele origin: germline.
Comment: This sequence change replaces alanine, which is neutral and non-polar, with glycine, which is neutral and non-polar, at codon 285 of the DES protein (p.Ala285Gly). This variant is not present in population databases (gnomAD no frequency). This variant has not been reported in the literature in individuals affected with DES-related conditions. Advanced modeling of protein sequence and biophysical properties (such as structural, functional, and spatial information, amino acid conservation, physicochemical variation, residue mobility, and thermodynamic stability) performed at Invitae indicates that this missense variant is expected to disrupt DES protein function with a positive predictive value of 80%. This variant disrupts the p.Ala285 amino acid residue in DES. Other variant(s) that disrupt this residue have been determined to be pathogenic (PMID: 23300193; Invitae). This suggests that this residue is clinically significant, and that variants that disrupt this residue are likely to be disease-causing. In summary, the available evidence is currently insufficient to determine the role of this variant in disease. Therefore, it has been classified as a Variant of Uncertain Significance.

Literature cited by the submitters: PubMed 23300193.

NM_001927.4(DES):c.854C>G (p.Ala285Gly)

Gene: DES (desmin; plus strand). Cytogenetic location: 2q35.
Variant type: single nucleotide variant.
Coding change: c.854C>G on transcript NM_001927.4 (MANE Select); coding-DNA position 854, C replaced by G.
Protein change: p.Ala285Gly; replaces alanine 285 with glycine.
Molecular consequence: missense variant. On other transcripts: intron variant (1).
Genome position (GRCh38, 1-based): chr2:219,420,613, C>G. VCF-style: chr2-219420613-C-G. GRCh37 (hg19) VCF-style: chr2-220285335-C-G.
Other names: c.851C>G, p.Ala284Gly (NM_001382708.1); c.854C>G, p.Ala285Gly (NM_001382710.1, NM_001382711.1, NM_001382712.1); c.584C>G, p.Ala195Gly (NM_001382713.1); c.735+267C>G (NM_001382709.1); short protein forms A284G, A195G, A285G.
Identifiers: ClinVar variation 2953673 (VCV002953673.3), dbSNP rs1368507241, ClinGen allele CA350691553.